The following is an entry in ClinVar:

ClinVar aggregate classification (germline): Uncertain significance. Review status: criteria provided, multiple submitters, no conflicts (2 of 4 stars). 3 submissions from 3 submitters: Uncertain significance (3). Last evaluated 2023-08-04.

Conditions:
Spondylometaphyseal dysplasia - Sutcliffe type. Also called: Spondylometaphyseal dysplasia, 'corner fracture' type; Spondylometaphyseal Dysplasia, Corner Fracture Type; Sutcliffe type of spondylometaphyseal dysplasia; Sutcliffe SMD. Identifiers: Orphanet 93315, MedGen C0432221, MONDO:0008479, OMIM 184255.
Glomerulopathy with fibronectin deposits 2 (GFND2). Identifiers: Orphanet 84090, MedGen C1866075, MONDO:0011165, OMIM 601894.
Inborn genetic diseases. Identifiers: MedGen C0950123, MeSH D030342.

Allele frequency attached by ClinVar (database versions not stated): ExAC 0.00001; gnomAD 0.00001; TOPMed 0.00002.
gnomAD v4.1: 12 of 1,613,700 alleles (0.00074%); highest among the groups gnomAD compares: Non-Finnish European, 0.00085%; no homozygotes.

Submissions (3):

Labcorp Genetics (formerly Invitae), Labcorp
Classification: Uncertain significance. Last evaluated: 2023-08-04. Review status: criteria provided, single submitter. Criteria: Invitae Variant Classification Sherloc (09022015). Collection method: clinical testing. Allele origin: germline.
Comment: An algorithm developed to predict the effect of missense changes on protein structure and function (PolyPhen-2) suggests that this variant is likely to be disruptive. In summary, the available evidence is currently insufficient to determine the role of this variant in disease. Therefore, it has been classified as a Variant of Uncertain Significance. This variant is present in population databases (rs759085028, gnomAD 0.006%). This sequence change replaces arginine with cysteine at codon 2357 of the FN1 protein (p.Arg2357Cys). The arginine residue is highly conserved and there is a large physicochemical difference between arginine and cysteine. This variant has not been reported in the literature in individuals affected with FN1-related conditions. ClinVar contains an entry for this variant (Variation ID: 1487177).

Fulgent Genetics
Classification: Uncertain significance for Spondylometaphyseal dysplasia - Sutcliffe type; Glomerulopathy with fibronectin deposits 2. Last evaluated: 2022-04-29. Review status: criteria provided, single submitter. Criteria: ACMG Guidelines, 2015. Collection method: clinical testing. Allele origin: unknown.

Ambry Genetics
Classification: Uncertain significance for Inborn genetic diseases. Last evaluated: 2021-07-06. Review status: criteria provided, single submitter. Criteria: Ambry Variant Classification Scheme 2023. Collection method: clinical testing. Allele origin: germline.

NM_212482.4(FN1):c.7069C>T (p.Arg2357Cys)

Genes: ATIC (5-aminoimidazole-4-carboxamide ribonucleotide formyltransferase/IMP cyclohydrolase; plus strand), FN1 (fibronectin 1; minus strand). Cytogenetic location: 2q35.
Variant type: single nucleotide variant.
Coding change: c.7069C>T on transcript NM_212482.4 (MANE Select); coding-DNA position 7069, C replaced by T.
Protein change: p.Arg2357Cys; replaces arginine 2357 with cysteine.
Molecular consequence: missense variant.
Genome position (GRCh38, 1-based): chr2:215,365,580, G>A on the plus strand (C>T on the coding strand, the complement: FN1 is on the minus strand). VCF-style: chr2-215365580-G-A. GRCh37 (hg19) VCF-style: chr2-216230303-G-A.
Other names: c.7069C>T (NM_212482.1); c.6976C>T, p.Arg2326Cys (NM_001306129.2); c.6439C>T, p.Arg2147Cys (NM_001306130.2); c.6433C>T, p.Arg2145Cys (NM_001306131.2); c.6358C>T, p.Arg2120Cys (NM_001306132.2); c.6799C>T, p.Arg2267Cys (NM_001365517.2); c.6796C>T, p.Arg2266Cys (NM_001365518.2); c.6724C>T, p.Arg2242Cys (NM_001365519.2); and 9 more; short protein forms R2056C, R2151C, R2210C, R2241C, R2326C, R2120C, R2146C, R2147C.
Identifiers: ClinVar variation 1487177 (VCV001487177.8), dbSNP rs759085028, ClinGen allele CA2093663.